The following is an entry in ClinVar:

ClinVar aggregate classification (germline): Uncertain significance (1 of 4 stars; one submission).

Conditions:
Charlevoix-Saguenay spastic ataxia (SACS). Also called: AUTOSOMAL RECESSIVE SPASTIC ATAXIA OF CHARLEVOIX-SAGUENAY; SPASTIC ATAXIA 6, AUTOSOMAL RECESSIVE; Spastic ataxia of Charlevoix-Saguenay. Identifiers: Orphanet 98, MedGen C1849140, MONDO:0010041, OMIM 270550.

Allele frequency attached by ClinVar (database versions not stated): gnomAD exomes below 0.00001.
gnomAD v4.1: 4 of 1,614,082 alleles (0.00025%); highest among the groups gnomAD compares: African/African-American, 0.0013%; no homozygotes.

Submission:

Molecular Genetics, Royal Melbourne Hospital
Classification: Uncertain significance for Charlevoix-Saguenay spastic ataxia. Last evaluated: 2022-08-04. Review status: criteria provided, single submitter. Criteria: ACMG Guidelines, 2015. Collection method: clinical testing. Allele origin: germline.
Comment: This sequence change in SACS is predicted to replace aspartic acid with glycine at codon 1261, p.(Asp1261Gly). The aspartic acid residue is moderately conserved (100 vertebrates, UCSC), and is not located in an annotated domain. There is a moderate physicochemical difference between aspartic acid and glycine. The highest population minor allele frequency in gnomAD v2.1 is 0.0009% (1/113,450 alleles) in the European (non-Finnish) population, which is consistent with recessive disease. To our knowledge, this variant has not been reported in the literature in any individuals with SACS-related disease. Multiple lines of computational evidence have conflicting predictions for the missense substitution (4/6 algorithms predict benign). Based on the classification scheme RMH Modified ACMG Guidelines v1.5.1, this variant is classified as a VARIANT OF UNCERTAIN SIGNIFICANCE. Following criteria are met: PM2_Supporting.

NM_014363.6(SACS):c.3782A>G (p.Asp1261Gly)

Gene: SACS (sacsin molecular chaperone; minus strand). Cytogenetic location: 13q12.12.
Variant type: single nucleotide variant.
Coding change: c.3782A>G on transcript NM_014363.6 (MANE Select); coding-DNA position 3782, A replaced by G.
Protein change: p.Asp1261Gly; replaces aspartic acid 1261 with glycine.
Molecular consequence: missense variant.
Genome position (GRCh38, 1-based): chr13:23,340,094, T>C on the plus strand (A>G on the coding strand, the complement: SACS is on the minus strand). VCF-style: chr13-23340094-T-C. GRCh37 (hg19) VCF-style: chr13-23914233-T-C.
Other names: c.3341A>G, p.Asp1114Gly (NM_001278055.2); short protein forms D1114G, D1261G.
Identifiers: ClinVar variation 3068639 (VCV003068639.1), dbSNP rs1247905603, ClinGen allele CA387533610.